The following is an entry in ClinVar:

ClinVar aggregate classification (germline): Pathogenic. Review status: criteria provided, multiple submitters, no conflicts (2 of 4 stars). 3 submissions from 3 submitters: Pathogenic (3). Last evaluated 2026-04-22.

Conditions:
Microcephaly 5, primary, autosomal recessive (MCPH5). Also called: ASPM Primary Microcephaly. Identifiers: Orphanet 2512, MedGen C1837501, MONDO:0012106, OMIM 608716.

Submissions (3):

GeneDx
Classification: Pathogenic. Last evaluated: 2026-04-22. Review status: criteria provided, single submitter. Criteria: GeneDx Variant Classification Process June 2021. Collection method: clinical testing. Allele origin: germline.
Comment: Reported in several individuals within the same family who harbored a second variant in ASPM, however segregation information is not provided (PMID: 28004384); Frameshift variant predicted to result in protein truncation or nonsense mediated decay in a gene for which loss of function is a known mechanism of disease; Not observed at significant frequency in large population cohorts (gnomAD); This variant is associated with the following publications: (PMID: 28004384)

Laboratorio de Genetica e Diagnostico Molecular, Hospital Israelita Albert Einstein
Classification: Pathogenic for Microcephaly 5, primary, autosomal recessive. Last evaluated: 2024-04-07. Review status: criteria provided, single submitter. Criteria: ACMG Guidelines, 2015. Collection method: clinical testing. Allele origin: germline. Affected: yes.
Comment: ACMG classification criteria: PVS1 very strong, PM2 supporting, PM3 supporting

Genetic Services Laboratory, University of Chicago
Classification: Pathogenic for Microcephaly 5, primary, autosomal recessive. Last evaluated: 2013-12-17. Review status: criteria provided, single submitter. Criteria: ACMG Guidelines, 2007. Collection method: clinical testing. Allele origin: germline. Inheritance: Autosomal recessive inheritance. Affected: yes.

NM_018136.5(ASPM):c.6852_6855del (p.Leu2285fs)

Gene: ASPM (assembly factor for spindle microtubules; minus strand). Cytogenetic location: 1q31.3.
Variant type: Microsatellite.
Coding change: c.6852_6855del on transcript NM_018136.5 (MANE Select); coding-DNA positions 6852 to 6855, 4 bases deleted (TCTC; older notation c.6852_6855delTCTC).
Protein change: p.Leu2285fs; shifts the reading frame from leucine 2285.
Molecular consequence: frameshift variant. On other transcripts: intron variant (1).
Genome position (GRCh38, 1-based): chr1:197,102,396-197,102,399, GAGA deleted on the plus strand (TCTC on the coding strand, the reverse complement: ASPM is on the minus strand); deleting any 4 consecutive bases within chr1:197,102,396-197,102,404 gives the same sequence; the c. name uses the placement nearest the transcript's 3' end. VCF-style (leftmost placement, unchanged base first): chr1-197102395-TGAGA-T. GRCh37 (hg19) VCF-style: chr1-197071525-TGAGA-T.
Other names: c.4066-6239TC[2] (NM_001206846.2); short protein forms L2285fs.
Identifiers: ClinVar variation 157859 (VCV000157859.11), dbSNP rs587783259, ClinGen allele CA271088.